The following is an entry in ClinVar:

ClinVar aggregate classification (germline): Pathogenic (1 of 4 stars; one submission).

Conditions:
Primary ciliary dyskinesia. Also called: Ciliary dyskinesia. Identifiers: Orphanet 244, MedGen C0008780, MONDO:0016575, HP:0012265.

Submission:

Labcorp Genetics (formerly Invitae), Labcorp
Classification: Pathogenic for Primary ciliary dyskinesia. Last evaluated: 2023-09-11. Review status: criteria provided, single submitter. Criteria: Invitae Variant Classification Sherloc (09022015). Collection method: clinical testing. Allele origin: germline.
Comment: For these reasons, this variant has been classified as Pathogenic. This variant disrupts a region of the DNAH11 protein in which other variant(s) (p.Ser4498Argfs*15) have been determined to be pathogenic (Invitae). This suggests that this is a clinically significant region of the protein, and that variants that disrupt it are likely to be disease-causing. This variant has not been reported in the literature in individuals affected with DNAH11-related conditions. This variant is not present in population databases (gnomAD no frequency). This sequence change creates a premature translational stop signal (p.Gly4430Thrfs*59) in the DNAH11 gene. While this is not anticipated to result in nonsense mediated decay, it is expected to disrupt the last 87 amino acid(s) of the DNAH11 protein.

NM_001277115.2(DNAH11):c.13279_13286dup (p.Gly4430fs)

Gene: DNAH11 (dynein axonemal heavy chain 11; plus strand). Cytogenetic location: 7p15.3.
Variant type: Duplication.
Coding change: c.13279_13286dup on transcript NM_001277115.2 (MANE Select); coding-DNA positions 13279 to 13286, 8 bases duplicated (TACCTCCA; older notation c.13279_13286dupTACCTCCA).
Protein change: p.Gly4430fs; shifts the reading frame from glycine 4430.
Molecular consequence: frameshift variant.
Genome position (GRCh38, 1-based): chr7:21,900,096-21,900,103, TACCTCCA duplicated; duplicating any 8 consecutive bases within chr7:21,900,094-21,900,103 gives the same sequence; the c. name uses the placement nearest the transcript's 3' end. VCF-style (leftmost placement, unchanged base first): chr7-21900093-G-GCATACCTC. GRCh37 (hg19) VCF-style: chr7-21939711-G-GCATACCTC.
Other names: c.13300_13307dup, p.Gly4437Thrfs (NM_003777.3); short protein forms G4430fs.
Identifiers: ClinVar variation 2760025 (VCV002760025.3), dbSNP rs2534154885, ClinGen allele CA2681993405.
Genomic context (GRCh38, chr7:21,900,093, plus strand): 5'-TTGACTGCTGATGTTACCAAAAAAACAAAGGAAGATTATGGACACCCGCCAAGGGAAGGT[G>GCATACCTC]CATACCTCCACGGACTCTTCATGGAGGGTAAGACACCCCAAGGGGTAAGTGGGGAACCTT-3'